The following is an entry in ClinVar:

NM_001256071.3(RNF213):c.12201T>C (p.Ser4067=)

Genes: RNF213 (ring finger protein 213; plus strand), RNF213-AS1 (RNF213 antisense RNA 1; minus strand). Cytogenetic location: 17q25.3.
Variant type: single nucleotide variant.
Coding change: c.12201T>C on transcript NM_001256071.3 (MANE Select); coding-DNA position 12201, T replaced by C.
Protein change: p.Ser4067=; no amino-acid change (serine 4067 retained).
Molecular consequence: synonymous variant.
Genome position (GRCh38, 1-based): chr17:80,369,547, T>C. VCF-style: chr17-80369547-T-C. GRCh37 (hg19) VCF-style: chr17-78343347-T-C.
Other names: c.12348T>C, p.Ser4116= (NM_001410195.1, NM_020914.5).
Identifiers: ClinVar variation 4084395 (VCV004084395.8).

ClinVar aggregate classification (germline): Likely benign (1 of 4 stars; one submission).

gnomAD v4.1: 126 of 1,614,170 alleles (0.0078%); highest among the groups gnomAD compares: South Asian, 0.13%; 1 homozygote.

Submission:

CeGaT Center for Human Genetics Tuebingen
Classification: Likely benign. Last evaluated: 2025-07-01. Review status: criteria provided, single submitter. Criteria: CeGaT Center For Human Genetics Tuebingen Variant Classification Criteria Version 2. Collection method: clinical testing. Allele origin: germline. Affected: yes. Observed: 1 variant allele.
Comment: RNF213: BP4, BP7